The following is an entry in ClinVar:

NM_000815.5(GABRD):c.345C>T (p.Phe115=)

Gene: GABRD (gamma-aminobutyric acid type A receptor subunit delta; plus strand). Cytogenetic location: 1p36.33.
Variant type: single nucleotide variant.
Coding change: c.345C>T on transcript NM_000815.5 (MANE Select); coding-DNA position 345, C replaced by T.
Protein change: p.Phe115=; no amino-acid change (phenylalanine 115 retained).
Molecular consequence: synonymous variant.
Genome position (GRCh38, 1-based): chr1:2,025,613, C>T. VCF-style: chr1-2025613-C-T. GRCh37 (hg19) VCF-style: chr1-1957052-C-T.
Other names: c.345C>T (NM_000815.4).
Identifiers: ClinVar variation 2053117 (VCV002053117.5), dbSNP rs376701444, ClinGen allele CA534622.
Genomic context (GRCh38, chr1:2,025,613, plus strand): 5'-GCGGGACAGCAGGCTCTCCTACAACCACACCAACGAGACCCTGGGTCTGGACAGCCGCTT[C>T]GTGGACAAGCTGTGGCTGCCCGACACCTTCATCGTGAACGCCAAGTCGGCCTGGTTCCAC-3'
Protein context (NP_000806.2, residues 105-125): TNETLGLDSR[Phe115=]VDKLWLPDTF

ClinVar aggregate classification (germline): Likely benign. Review status: criteria provided, single submitter (1 of 4 stars). 2 submissions from 2 submitters: Likely benign (1). 1 of the submissions does not count toward it. Last evaluated 2025-04-27.

Conditions:
Idiopathic generalized epilepsy. Also called: EIG; Generalised epilepsy. Identifiers: MedGen C0270850, MONDO:0005579, OMIM 600669.
GABRD-related disorder. Also called: GABRD-related condition.

Allele frequency attached by ClinVar (database versions not stated): ExAC 0.00003; gnomAD 0.00003; gnomAD exomes 0.00004; TOPMed 0.00005; ESP Exome Variant Server 0.00008.
gnomAD v4.1: 58 of 1,613,004 alleles (0.0036%); highest among the groups gnomAD compares: Middle Eastern, 0.033%; no homozygotes.

Submissions (2):

Labcorp Genetics (formerly Invitae), Labcorp
Classification: Likely benign for Idiopathic generalized epilepsy. Last evaluated: 2025-04-27. Review status: criteria provided, single submitter. Criteria: Invitae Variant Classification Sherloc (09022015). Collection method: clinical testing. Allele origin: germline.

PreventionGenetics, part of Exact Sciences
Classification: Likely benign for GABRD-related condition. Last evaluated: 2024-06-06. Review status: no assertion criteria provided. Collection method: clinical testing. Allele origin: germline. Not counted in ClinVar's aggregate classification.
Comment: This variant is classified as likely benign based on ACMG/AMP sequence variant interpretation guidelines (Richards et al. 2015 PMID: 25741868, with internal and published modifications).